The following is an entry in ClinVar:

ClinVar aggregate classification (germline): Uncertain significance (1 of 4 stars; one submission).

Submission:

Labcorp Genetics (formerly Invitae), Labcorp
Classification: Uncertain significance. Last evaluated: 2024-02-17. Review status: criteria provided, single submitter. Criteria: Invitae Variant Classification Sherloc (09022015). Collection method: clinical testing. Allele origin: germline.
Comment: This variant, c.205_213dup, results in the insertion of 3 amino acid(s) of the DEAF1 protein (p.Met69_Ala71dup), but otherwise preserves the integrity of the reading frame. This variant is not present in population databases (gnomAD no frequency). This variant has not been reported in the literature in individuals affected with DEAF1-related conditions. ClinVar contains an entry for this variant (Variation ID: 1362441). Experimental studies and prediction algorithms are not available or were not evaluated, and the functional significance of this variant is currently unknown. In summary, the available evidence is currently insufficient to determine the role of this variant in disease. Therefore, it has been classified as a Variant of Uncertain Significance.

NM_021008.4(DEAF1):c.205_213dup (p.Ala71_Glu72insMetAlaAla)

Gene: DEAF1 (DEAF1 transcription factor; minus strand). Cytogenetic location: 11p15.5.
Variant type: Duplication.
Coding change: c.205_213dup on transcript NM_021008.4 (MANE Select); coding-DNA positions 205 to 213, 9 bases duplicated (ATGGCGGCG; older notation c.205_213dupATGGCGGCG).
Protein change: p.Ala71_Glu72insMetAlaAla.
Molecular consequence: inframe insertion. On other transcripts: inframe indel (1), intron variant (1).
Genome position (GRCh38, 1-based): chr11:694,835-694,843, CGCCGCCAT duplicated on the plus strand (ATGGCGGCG on the coding strand, the reverse complement: DEAF1 is on the minus strand); duplicating any 9 consecutive bases within chr11:694,835-694,844 gives the same sequence; the c. name uses the placement nearest the transcript's 3' end. VCF-style (leftmost placement, unchanged base first): chr11-694834-C-CCGCCGCCAT. GRCh37 (hg19) VCF-style: chr11-694834-C-CCGCCGCCAT.
Other names: c.204_212dup, p.Ala71_Glu72insMetAlaAla (NM_001293634.2); c.-437-3245_-437-3237dup (NM_001367390.1).
Identifiers: ClinVar variation 1362441 (VCV001362441.8), dbSNP rs769313622, ClinGen allele CA5786628.